The following is an entry in ClinVar:

ClinVar aggregate classification (germline): Uncertain significance (1 of 4 stars; one submission).

Allele frequency attached by ClinVar (database versions not stated): gnomAD exomes 0.00001.
gnomAD v4.1: 7 of 1,595,762 alleles (0.00044%); highest among the groups gnomAD compares: Non-Finnish European, 0.0006%; no homozygotes.

Submission:

Labcorp Genetics (formerly Invitae), Labcorp
Classification: Uncertain significance. Last evaluated: 2021-10-10. Review status: criteria provided, single submitter. Criteria: Invitae Variant Classification Sherloc (09022015). Collection method: clinical testing. Allele origin: germline.
Comment: In summary, the available evidence is currently insufficient to determine the role of this variant in disease. Therefore, it has been classified as a Variant of Uncertain Significance. Algorithms developed to predict the effect of missense changes on protein structure and function output the following: SIFT: "Tolerated"; PolyPhen-2: "Benign"; Align-GVGD: "Class C0". The valine amino acid residue is found in multiple mammalian species, which suggests that this missense change does not adversely affect protein function. This variant has not been reported in the literature in individuals affected with CEP135-related conditions. This variant is not present in population databases (ExAC no frequency). This sequence change replaces isoleucine with valine at codon 610 of the CEP135 protein (p.Ile610Val). The isoleucine residue is moderately conserved and there is a small physicochemical difference between isoleucine and valine.

NM_025009.5(CEP135):c.1828A>G (p.Ile610Val)

Gene: CEP135 (centrosomal protein 135; plus strand). Cytogenetic location: 4q12.
Variant type: single nucleotide variant.
Coding change: c.1828A>G on transcript NM_025009.5 (MANE Select); coding-DNA position 1828, A replaced by G.
Protein change: p.Ile610Val; replaces isoleucine 610 with valine.
Molecular consequence: missense variant.
Genome position (GRCh38, 1-based): chr4:55,985,329, A>G. VCF-style: chr4-55985329-A-G. GRCh37 (hg19) VCF-style: chr4-56851495-A-G.
Other names: short protein forms I610V.
Identifiers: ClinVar variation 1476925 (VCV001476925.6), dbSNP rs1729542520, ClinGen allele CA356993234.